The following is an entry in ClinVar:

ClinVar aggregate classification (germline): Uncertain significance (1 of 4 stars; one submission).

Conditions:
Naxos disease (NXD). Also called: KERATOSIS PALMOPLANTARIS WITH ARRHYTHMOGENIC CARDIOMYOPATHY; MAL DE NAXOS; PALMOPLANTAR KERATODERMA WITH ARRHYTHMOGENIC RIGHT VENTRICULAR CARDIOMYOPATHY AND WOOLLY HAIR; WOOLLY HAIR, PALMOPLANTAR KERATODERMA, AND CARDIAC ABNORMALITIES; CARDIOMYOPATHY, ARRHYTHMOGENIC RIGHT VENTRICULAR, WITH SKIN, HAIR, AND NAIL ABNORMALITIES. Identifiers: Orphanet 34217, MedGen C1832600, MONDO:0011017, OMIM 601214.
Arrhythmogenic right ventricular dysplasia 12. Also called: ARRHYTHMOGENIC RIGHT VENTRICULAR DYSPLASIA, FAMILIAL, 12. Identifiers: MedGen C1969081, MONDO:0012684, OMIM 611528.

Allele frequency attached by ClinVar (database versions not stated): gnomAD exomes 0.00001.
gnomAD v4.1: 9 of 1,608,628 alleles (0.00056%); highest among the groups gnomAD compares: Non-Finnish European, 0.00068%; no homozygotes.

Submission:

Labcorp Genetics (formerly Invitae), Labcorp
Classification: Uncertain significance for Arrhythmogenic right ventricular dysplasia 12; Naxos disease. Last evaluated: 2023-08-27. Review status: criteria provided, single submitter. Criteria: Invitae Variant Classification Sherloc (09022015). Collection method: clinical testing. Allele origin: germline.
Comment: This sequence change replaces valine, which is neutral and non-polar, with methionine, which is neutral and non-polar, at codon 264 of the JUP protein (p.Val264Met). In summary, the available evidence is currently insufficient to determine the role of this variant in disease. Therefore, it has been classified as a Variant of Uncertain Significance. An algorithm developed to predict the effect of missense changes on protein structure and function (PolyPhen-2) suggests that this variant is likely to be disruptive. This variant has not been reported in the literature in individuals affected with JUP-related conditions. This variant is not present in population databases (gnomAD no frequency).

NM_002230.4(JUP):c.790G>A (p.Val264Met)

Gene: JUP (junction plakoglobin; minus strand). Cytogenetic location: 17q21.2.
Variant type: single nucleotide variant.
Coding change: c.790G>A on transcript NM_002230.4 (MANE Select); coding-DNA position 790, G replaced by A.
Protein change: p.Val264Met; replaces valine 264 with methionine.
Molecular consequence: missense variant.
Genome position (GRCh38, 1-based): chr17:41,767,498, C>T on the plus strand (G>A on the coding strand, the complement: JUP is on the minus strand). VCF-style: chr17-41767498-C-T. GRCh37 (hg19) VCF-style: chr17-39923750-C-T.
Other names: c.790G>A, p.Val264Met (NM_001352773.2, NM_001352774.2, NM_001352775.2 and 3 more transcripts); short protein forms V264M.
Identifiers: ClinVar variation 2927493 (VCV002927493.3), dbSNP rs2544161728, ClinGen allele CA399501230.